The following is an entry in ClinVar:

NM_004208.4(AIFM1):c.967+127T>C

Genes: AIFM1 (apoptosis inducing factor mitochondria associated 1; minus strand), RAB33A (RAB33A, member RAS oncogene family; plus strand). Cytogenetic location: Xq26.1.
Variant type: single nucleotide variant.
Coding change: c.967+127T>C on transcript NM_004208.4 (MANE Select); 127 bases into the intron after coding-DNA position 967, T replaced by C.
Molecular consequence: intron variant.
Genome position (GRCh38, 1-based): chrX:130,138,466, A>G on the plus strand (T>C on the coding strand, the complement: AIFM1 is on the minus strand). VCF-style: chrX-130138466-A-G. GRCh37 (hg19) VCF-style: chrX-129272441-A-G.
Other names: c.955+127T>C (NM_145812.3); c.967+127T>C (NM_001130847.4).
Identifiers: ClinVar variation 675511 (VCV000675511.2), dbSNP rs12010190, ClinGen allele CA335119362.

ClinVar aggregate classification (germline): Benign. Review status: criteria provided, multiple submitters, no conflicts (2 of 4 stars). 2 submissions from 2 submitters: Benign (2). Last evaluated 2018-06-16.

Allele frequency attached by ClinVar (database versions not stated): 1000 Genomes Project 30x 0.02518; gnomAD 0.02521; 1000 Genomes Project 0.02781; TOPMed 0.03229.
gnomAD v4.1: 5,593 of 549,013 alleles (1%); highest among the groups gnomAD compares: African/African-American, 9.4%; 156 homozygotes.

Submissions (2):

GeneDx
Classification: Benign. Last evaluated: 2018-06-16. Review status: criteria provided, single submitter. Criteria: GeneDx Variant Classification (06012015). Collection method: clinical testing. Allele origin: germline. Affected: yes.
Comment: This variant is considered likely benign or benign based on one or more of the following criteria: it is a conservative change, it occurs at a poorly conserved position in the protein, it is predicted to be benign by multiple in silico algorithms, and/or has population frequency not consistent with disease.

Breakthrough Genomics
Classification: Benign. Review status: criteria provided, single submitter. Criteria: ACMG Guidelines, 2015. Collection method: not provided. Allele origin: germline. Inheritance: X-linked inheritance. Affected: yes.